The following is an entry in ClinVar:

ClinVar aggregate classification (germline): Uncertain significance (1 of 4 stars; one submission).

Submission:

Ambry Genetics
Classification: Uncertain significance. Last evaluated: 2022-05-07. Review status: criteria provided, single submitter. Criteria: Ambry Variant Classification Scheme 2023. Collection method: clinical testing. Allele origin: germline.
Comment: The p.S758C variant (also known as c.2272A>T), located in coding exon 13 of the NPAT gene, results from an A to T substitution at nucleotide position 2272. The serine at codon 758 is replaced by cysteine, an amino acid with dissimilar properties. This amino acid position is conserved. In addition, this alteration is predicted to be tolerated by in silico analysis. Since supporting evidence is limited at this time, the clinical significance of this alteration remains unclear.

NM_002519.3(NPAT):c.2272A>T (p.Ser758Cys)

Gene: NPAT (nuclear protein, coactivator of histone transcription; minus strand). Cytogenetic location: 11q22.3.
Variant type: single nucleotide variant.
Coding change: c.2272A>T on transcript NM_002519.3 (MANE Select); coding-DNA position 2272, A replaced by T.
Protein change: p.Ser758Cys; replaces serine 758 with cysteine.
Molecular consequence: missense variant.
Genome position (GRCh38, 1-based): chr11:108,172,712, T>A on the plus strand (A>T on the coding strand, the complement: NPAT is on the minus strand). VCF-style: chr11-108172712-T-A. GRCh37 (hg19) VCF-style: chr11-108043439-T-A.
Other names: c.2272A>T, p.Ser758Cys (NM_001321307.1); short protein forms S758C.
Identifiers: ClinVar variation 1788805 (VCV001788805.2), dbSNP rs765414725, ClinGen allele CA382513327.